The following is an entry in ClinVar:

ClinVar aggregate classification (germline): Uncertain significance (1 of 4 stars; one submission).

Allele frequency attached by ClinVar (database versions not stated): gnomAD exomes below 0.00001; TOPMed 0.00002.

Submission:

Labcorp Genetics (formerly Invitae), Labcorp
Classification: Uncertain significance. Last evaluated: 2023-08-08. Review status: criteria provided, single submitter. Criteria: Invitae Variant Classification Sherloc (09022015). Collection method: clinical testing. Allele origin: germline.
Comment: In summary, the available evidence is currently insufficient to determine the role of this variant in disease. Therefore, it has been classified as a Variant of Uncertain Significance. Variants that disrupt the consensus splice site are a relatively common cause of aberrant splicing (PMID: 17576681, 9536098). Algorithms developed to predict the effect of sequence changes on RNA splicing suggest that this variant is not likely to affect RNA splicing. This variant has not been reported in the literature in individuals affected with CACNA1G-related conditions. This variant is not present in population databases (gnomAD no frequency). This sequence change falls in intron 23 of the CACNA1G gene. It does not directly change the encoded amino acid sequence of the CACNA1G protein. It affects a nucleotide within the consensus splice site.

Literature cited by the submitters: PubMed 17576681; PubMed 9536098.

NM_018896.5(CACNA1G):c.4422+3G>A

Gene: CACNA1G (calcium voltage-gated channel subunit alpha1 G; plus strand). Cytogenetic location: 17q21.33.
Variant type: single nucleotide variant.
Coding change: c.4422+3G>A on transcript NM_018896.5 (MANE Select); 3 bases into the intron after coding-DNA position 4422, G replaced by A.
Molecular consequence: intron variant.
Genome position (GRCh38, 1-based): chr17:50,606,026, G>A. VCF-style: chr17-50606026-G-A. GRCh37 (hg19) VCF-style: chr17-48683387-G-A.
Other names: c.4422+3G>A (NM_001256325.2, NM_198377.3, NM_198380.3 and 16 more transcripts); c.4353+3G>A (NM_198396.3, NM_198379.3, NM_198387.3 and 5 more transcripts).
Identifiers: ClinVar variation 2828183 (VCV002828183.3), dbSNP rs1268139177, ClinGen allele CA645597490.